The following is an entry in ClinVar:

ClinVar aggregate classification (germline): Uncertain significance. Review status: criteria provided, multiple submitters, no conflicts (2 of 4 stars). 2 submissions from 2 submitters: Uncertain significance (2). Last evaluated 2026-07-02.

Conditions:
Hereditary cancer-predisposing syndrome. Also called: Neoplastic Syndromes, Hereditary; Hereditary Cancer Syndrome; Hereditary neoplastic syndrome; Tumor predisposition. Identifiers: Orphanet 140162, MedGen C0027672, MeSH D009386, MONDO:0015356.
Oligodontia-cancer predisposition syndrome. Also called: TOOTH AGENESIS-COLORECTAL CANCER SYNDROME. Identifiers: Orphanet 300576, MedGen C1837750, MONDO:0012075, OMIM 608615. Disease mechanism: loss of function.

gnomAD v4.1: 7 of 1,614,170 alleles (0.00043%); highest among the groups gnomAD compares: East Asian, 0.013%; no homozygotes.

Submissions (2):

Ambry Genetics
Classification: Uncertain significance for Hereditary cancer-predisposing syndrome. Last evaluated: 2026-07-02. Review status: criteria provided, single submitter. Criteria: Ambry Variant Classification Scheme 2023. Collection method: clinical testing. Allele origin: germline.
Comment: The p.H790Q variant (also known as c.2370C>G), located in coding exon 9 of the AXIN2 gene, results from a C to G substitution at nucleotide position 2370. The histidine at codon 790 is replaced by glutamine, an amino acid with highly similar properties. This amino acid position is conserved. In addition, the in silico prediction for this alteration is inconclusive. Based on the available evidence, the clinical significance of this variant remains unclear.

Labcorp Genetics (formerly Invitae), Labcorp
Classification: Uncertain significance for Oligodontia-cancer predisposition syndrome. Last evaluated: 2025-03-31. Review status: criteria provided, single submitter. Criteria: Invitae Variant Classification Sherloc (09022015). Collection method: clinical testing. Allele origin: germline.
Comment: This sequence change replaces histidine, which is basic and polar, with glutamine, which is neutral and polar, at codon 790 of the AXIN2 protein (p.His790Gln). This variant is not present in population databases (gnomAD no frequency). This variant has not been reported in the literature in individuals affected with AXIN2-related conditions. ClinVar contains an entry for this variant (Variation ID: 656671). Invitae Evidence Modeling of protein sequence and biophysical properties (such as structural, functional, and spatial information, amino acid conservation, physicochemical variation, residue mobility, and thermodynamic stability) indicates that this missense variant is not expected to disrupt AXIN2 protein function with a negative predictive value of 80%. In summary, the available evidence is currently insufficient to determine the role of this variant in disease. Therefore, it has been classified as a Variant of Uncertain Significance.

NM_004655.4(AXIN2):c.2370C>G (p.His790Gln)

Gene: AXIN2 (axin 2; minus strand). Cytogenetic location: 17q24.1.
Variant type: single nucleotide variant.
Coding change: c.2370C>G on transcript NM_004655.4 (MANE Select); coding-DNA position 2370, C replaced by G.
Protein change: p.His790Gln; replaces histidine 790 with glutamine.
Molecular consequence: missense variant.
Genome position (GRCh38, 1-based): chr17:65,533,947, G>C on the plus strand (C>G on the coding strand, the complement: AXIN2 is on the minus strand). VCF-style: chr17-65533947-G-C. GRCh37 (hg19) VCF-style: chr17-63530065-G-C.
Other names: c.2175C>G, p.His725Gln (NM_001363813.1); c.2370C>G (LRG_296t1); short protein forms H725Q, H790Q.
Identifiers: ClinVar variation 656671 (VCV000656671.11), dbSNP rs1555576355, ClinGen allele CA400675397.
Genomic context (GRCh38, chr17:65,533,947, plus strand): 5'-CAGAAAAAAGCCACAGGACTCTTACCTATAATTTCCCTTTTTGCTGAGCTGCTCTTTAAA[G>C]TGGCCCAGGGTCAAGCTCTGAGCCTTCAGCATCCTCCGGTATGGAATTTCTTCCCCACAG-3'
Protein context (NP_004646.3, residues 780-800): MLKAQSLTLG[His790Gln]FKEQLSKKGN